The following is an entry in ClinVar:

NC_000007.13:g.(117254768_117267575)_(117267825_117282491)del

Gene: CFTR (CF transmembrane conductance regulator; plus strand). Cytogenetic location: 7q31.2.
Variant type: Deletion.
Identifiers: ClinVar variation 3251643 (VCV003251643.1).

ClinVar aggregate classification (germline): Pathogenic (1 of 4 stars; one submission).

Conditions:
Cystic fibrosis (CF). Also called: MUCOVISCIDOSIS. Identifiers: Orphanet 586, MedGen C0010674, MONDO:0009061, OMIM 219700. Disease mechanism: loss of function.

Submission:

Women's Health and Genetics/Laboratory Corporation of America, LabCorp
Classification: Pathogenic for Cystic fibrosis. Last evaluated: 2024-04-26. Review status: criteria provided, single submitter. Criteria: LabCorp Variant Classification Summary - May 2015. Collection method: clinical testing. Allele origin: germline.
Comment: Variant summary: The variant involves the deletion of exon 22 in the CFTR gene. A presumed nomenclature of c.(3468+1_3469-1)_(3717+1_3718-1)del has been designated for the purposes of this classification. This Copy Number Variant (CNV) is predicted to result in an in-frame deletion within this gene. The variant was absent in 21694 control chromosomes (gnomAD SVs database v2.1). The deletion of exon 22 has been reported in the literature in individuals affected with Cystic Fibrosis (e.g. Trujillano_2013 and in the database). Additionally, missense variants within exon 22 have been reported in affected individuals (HGMD) and been classified as (likely) pathogenic by our lab. These data indicate the variant is very likely associated with disease. To our knowledge, no experimental evidence demonstrating an impact on protein function has been reported. The following publication has been ascertained in the context of this evaluation (PMID: 23687349). ClinVar contains an entry for this variant (Variation ID: 1067529). Based on the evidence outlined above, the variant was classified as pathogenic.

Literature cited by the submitters: PubMed 23687349.